The following is an entry in ClinVar:

NM_002473.6(MYH9):c.3318C>G (p.Ile1106Met)

Gene: MYH9 (myosin heavy chain 9; minus strand). Cytogenetic location: 22q12.3.
Variant type: single nucleotide variant.
Coding change: c.3318C>G on transcript NM_002473.6 (MANE Select); coding-DNA position 3318, C replaced by G.
Protein change: p.Ile1106Met; replaces isoleucine 1106 with methionine.
Molecular consequence: missense variant.
Genome position (GRCh38, 1-based): chr22:36,295,672, G>C on the plus strand (C>G on the coding strand, the complement: MYH9 is on the minus strand). VCF-style: chr22-36295672-G-C. GRCh37 (hg19) VCF-style: chr22-36691718-G-C.
Other names: short protein forms I1106M.
Identifiers: ClinVar variation 3719667 (VCV003719667.2).

ClinVar aggregate classification (germline): Uncertain significance (1 of 4 stars; one submission).

Submission:

Labcorp Genetics (formerly Invitae), Labcorp
Classification: Uncertain significance. Last evaluated: 2025-01-23. Review status: criteria provided, single submitter. Criteria: Invitae Variant Classification Sherloc (09022015). Collection method: clinical testing. Allele origin: germline.
Comment: This sequence change replaces isoleucine, which is neutral and non-polar, with methionine, which is neutral and non-polar, at codon 1106 of the MYH9 protein (p.Ile1106Met). This variant is not present in population databases (gnomAD no frequency). This variant has not been reported in the literature in individuals affected with MYH9-related conditions. Invitae Evidence Modeling of protein sequence and biophysical properties (such as structural, functional, and spatial information, amino acid conservation, physicochemical variation, residue mobility, and thermodynamic stability) indicates that this missense variant is not expected to disrupt MYH9 protein function with a negative predictive value of 95%. In summary, the available evidence is currently insufficient to determine the role of this variant in disease. Therefore, it has been classified as a Variant of Uncertain Significance.